The following is an entry in ClinVar:

NM_002471.4(MYH6):c.4427C>T (p.Ala1476Val)

Gene: MYH6 (myosin heavy chain 6; minus strand). Cytogenetic location: 14q11.2.
Variant type: single nucleotide variant.
Coding change: c.4427C>T on transcript NM_002471.4 (MANE Select); coding-DNA position 4427, C replaced by T.
Protein change: p.Ala1476Val; replaces alanine 1476 with valine.
Molecular consequence: missense variant.
Genome position (GRCh38, 1-based): chr14:23,387,856, G>A on the plus strand (C>T on the coding strand, the complement: MYH6 is on the minus strand). VCF-style: chr14-23387856-G-A. GRCh37 (hg19) VCF-style: chr14-23857065-G-A.
Other names: short protein forms A1476V.
Identifiers: ClinVar variation 1912860 (VCV001912860.5), dbSNP rs778185611, ClinGen allele CA7114766.

ClinVar aggregate classification (germline): Uncertain significance (1 of 4 stars; one submission).

Conditions:
Hypertrophic cardiomyopathy 14. Identifiers: MedGen C2750467, MONDO:0013197, OMIM 613251.

Allele frequency attached by ClinVar (database versions not stated): gnomAD exomes below 0.00001; ExAC 0.00001.

Submission:

Labcorp Genetics (formerly Invitae), Labcorp
Classification: Uncertain significance for Hypertrophic cardiomyopathy 14. Last evaluated: 2022-04-11. Review status: criteria provided, single submitter. Criteria: Invitae Variant Classification Sherloc (09022015). Collection method: clinical testing. Allele origin: germline.
Comment: In summary, the available evidence is currently insufficient to determine the role of this variant in disease. Therefore, it has been classified as a Variant of Uncertain Significance. This sequence change replaces alanine, which is neutral and non-polar, with valine, which is neutral and non-polar, at codon 1476 of the MYH6 protein (p.Ala1476Val). This variant is present in population databases (rs778185611, gnomAD 0.0009%). This variant has not been reported in the literature in individuals affected with MYH6-related conditions. Algorithms developed to predict the effect of missense changes on protein structure and function are either unavailable or do not agree on the potential impact of this missense change (SIFT: "Tolerated"; PolyPhen-2: "Possibly Damaging"; Align-GVGD: "Class C0").